The following is an entry in ClinVar:

ClinVar aggregate classification (germline): Likely benign (1 of 4 stars; one submission).

gnomAD v4.1: 1 of 1,206,022 alleles (0.000083%); highest among the groups gnomAD compares: Non-Finnish European, 0.00011%; no homozygotes.

Submission:

GeneDx
Classification: Likely benign. Last evaluated: 2025-09-19. Review status: criteria provided, single submitter. Criteria: GeneDx Variant Classification Process June 2021. Collection method: clinical testing. Allele origin: germline.
Comment: See Variant Classification Assertion Criteria.

NM_001323289.2(CDKL5):c.852C>G (p.Asp284Glu)

Gene: CDKL5 (cyclin dependent kinase like 5; plus strand). Cytogenetic location: Xp22.13.
Variant type: single nucleotide variant.
Coding change: c.852C>G on transcript NM_001323289.2 (MANE Select); coding-DNA position 852, C replaced by G.
Protein change: p.Asp284Glu; replaces aspartic acid 284 with glutamic acid.
Molecular consequence: missense variant.
Genome position (GRCh38, 1-based): chrX:18,598,488, C>G. VCF-style: chrX-18598488-C-G. GRCh37 (hg19) VCF-style: chrX-18616608-C-G.
Other names: c.852C>G, p.Asp284Glu (NM_001037343.2, NM_003159.3); short protein forms D284E.
Identifiers: ClinVar variation 3369836 (VCV003369836.2).